The following is an entry in ClinVar:

NM_015175.3(NBEAL2):c.339G>C (p.Lys113Asn)

Gene: NBEAL2 (neurobeachin like 2; plus strand). Cytogenetic location: 3p21.31.
Variant type: single nucleotide variant.
Coding change: c.339G>C on transcript NM_015175.3 (MANE Select); coding-DNA position 339, G replaced by C.
Protein change: p.Lys113Asn; replaces lysine 113 with asparagine.
Molecular consequence: missense variant.
Genome position (GRCh38, 1-based): chr3:46,989,154, G>C. VCF-style: chr3-46989154-G-C. GRCh37 (hg19) VCF-style: chr3-47030644-G-C.
Other names: c.318G>C, p.Lys106Asn (NM_001365116.2); short protein forms K106N, K113N.
Identifiers: ClinVar variation 2653736 (VCV002653736.24), dbSNP rs2545185903, ClinGen allele CA352504911.

ClinVar aggregate classification (germline): Uncertain significance (1 of 4 stars; one submission).

gnomAD v4.1: 5 of 1,613,962 alleles (0.00031%); highest among the groups gnomAD compares: Non-Finnish European, 0.00034%; no homozygotes.

Submission:

CeGaT Center for Human Genetics Tuebingen
Classification: Uncertain significance. Last evaluated: 2023-09-01. Review status: criteria provided, single submitter. Criteria: CeGaT Center For Human Genetics Tuebingen Variant Classification Criteria Version 2. Collection method: clinical testing. Allele origin: germline. Affected: yes. Observed: 1 variant allele.
Comment: NBEAL2: PM2, BP4